The following is an entry in ClinVar:

ClinVar aggregate classification (germline): Uncertain significance (1 of 4 stars; one submission).

Conditions:
Cardiomyopathy (CMYO). Also called: Cardiomyopathies. Identifiers: Orphanet 167848, MedGen C0878544, MONDO:0004994, HP:0001638. Inheritance: Various modes of inheritance.

gnomAD v4.1: 1 of 1,614,074 alleles (0.000062%); highest among the groups gnomAD compares: Non-Finnish European, 0.000085%; no homozygotes.

Submission:

Color Diagnostics, LLC DBA Color Health
Classification: Uncertain significance for Cardiomyopathy. Last evaluated: 2025-06-23. Review status: criteria provided, single submitter. Criteria: ACMG Guidelines, 2015. Collection method: clinical testing. Allele origin: germline.
Comment: This missense variant replaces serine with threonine at codon 2784 of the DSP protein. Computational prediction suggests that this variant may not impact protein structure and function. To our knowledge, functional studies have not been reported for this variant. This variant has not been reported in individuals affected with DSP-related disorders in the literature. This variant has not been identified in the general population by the Genome Aggregation Database (gnomAD). The available evidence is insufficient to determine the role of this variant in disease conclusively. Therefore, this variant is classified as a Variant of Uncertain Significance.

NM_004415.4(DSP):c.8350T>A (p.Ser2784Thr)

Gene: DSP (desmoplakin; plus strand). Cytogenetic location: 6p24.3.
Variant type: single nucleotide variant.
Coding change: c.8350T>A on transcript NM_004415.4 (MANE Select); coding-DNA position 8350, T replaced by A.
Protein change: p.Ser2784Thr; replaces serine 2784 with threonine.
Molecular consequence: missense variant.
Genome position (GRCh38, 1-based): chr6:7,585,612, T>A. VCF-style: chr6-7585612-T-A. GRCh37 (hg19) VCF-style: chr6-7585845-T-A.
Other names: c.6553T>A, p.Ser2185Thr (NM_001008844.3); c.7021T>A, p.Ser2341Thr (NM_001319034.2); short protein forms S2185T, S2341T, S2784T.
Identifiers: ClinVar variation 4757076 (VCV004757076.1).